The following is an entry in ClinVar:

ClinVar aggregate classification (germline): Likely pathogenic (1 of 4 stars; one submission).

Conditions:
Tuberous sclerosis 2 (TSC2). Identifiers: Orphanet 805, MedGen C1860707, MONDO:0013199, OMIM 613254.

Submission:

Labcorp Genetics (formerly Invitae), Labcorp
Classification: Likely pathogenic for Tuberous sclerosis 2. Last evaluated: 2025-09-09. Review status: criteria provided, single submitter. Criteria: Invitae Variant Classification Sherloc (09022015). Collection method: clinical testing. Allele origin: germline.
Comment: This sequence change replaces glutamine, which is neutral and polar, with arginine, which is basic and polar, at codon 1503 of the TSC2 protein (p.Gln1503Arg). This variant is not present in population databases (gnomAD no frequency). This missense change has been observed in individual(s) with clinical features of tuberous sclerosis complex (internal data). ClinVar contains an entry for this variant (Variation ID: 468092). Invitae Evidence Modeling of protein sequence and biophysical properties (such as structural, functional, and spatial information, amino acid conservation, physicochemical variation, residue mobility, and thermodynamic stability) has been performed for this missense variant. However, the output from this modeling did not meet the statistical confidence thresholds required to predict the impact of this variant on TSC2 protein function. This variant disrupts the p.Gln1503 amino acid residue in TSC2. Other variant(s) that disrupt this residue have been determined to be pathogenic (PMID: 11403047, 21332470, 22903760). This suggests that this residue is clinically significant, and that variants that disrupt this residue are likely to be disease-causing. In summary, the currently available evidence indicates that the variant is pathogenic, but additional data are needed to prove that conclusively. Therefore, this variant has been classified as Likely Pathogenic.

Literature cited by the submitters: PubMed 11403047; PubMed 21332470; PubMed 22903760.

NM_000548.5(TSC2):c.4508A>G (p.Gln1503Arg)

Gene: TSC2 (TSC complex subunit 2; plus strand). Cytogenetic location: 16p13.3.
Variant type: single nucleotide variant.
Coding change: c.4508A>G on transcript NM_000548.5 (MANE Select); coding-DNA position 4508, A replaced by G.
Protein change: p.Gln1503Arg; replaces glutamine 1503 with arginine.
Molecular consequence: missense variant.
Genome position (GRCh38, 1-based): chr16:2,084,965, A>G. VCF-style: chr16-2084965-A-G. GRCh37 (hg19) VCF-style: chr16-2134966-A-G.
Other names: c.4307A>G, p.Gln1436Arg (NM_001077183.3); c.4439A>G, p.Gln1480Arg (NM_001114382.3); c.4199A>G, p.Gln1400Arg (NM_001318827.2); c.4163A>G, p.Gln1388Arg (NM_001318829.2); c.3776A>G, p.Gln1259Arg (NM_001318831.2); c.4340A>G, p.Gln1447Arg (NM_001318832.2); c.4310A>G, p.Gln1437Arg (NM_001363528.2); c.4376A>G, p.Gln1459Arg (NM_001370404.1); and 1 more; short protein forms Q1503R, Q1388R, Q1400R, Q1459R, Q1480R, Q1259R, Q1447R, Q1436R.
Identifiers: ClinVar variation 468092 (VCV000468092.10), dbSNP rs45516293, ClinGen allele CA394302741.